The following is an entry in ClinVar:

ClinVar aggregate classification (germline): Uncertain significance. Review status: criteria provided, multiple submitters, no conflicts (2 of 4 stars). 3 submissions from 3 submitters: Uncertain significance (3). Last evaluated 2024-12-11.

Conditions:
Interstitial lung disease due to ABCA3 deficiency. Also called: PULMONARY ALVEOLAR PROTEINOSIS, CONGENITAL, 3. Identifiers: Orphanet 440402, MedGen C1970456, MONDO:0012582, OMIM 610921.
Hereditary pulmonary alveolar proteinosis. Also called: Pulmonary surfactant metabolism dysfunction. Identifiers: Orphanet 264675, MedGen C3711368, MONDO:0012580.

Allele frequency attached by ClinVar (database versions not stated): gnomAD 0.00003 and 0.00004; TOPMed 0.00003; ESP Exome Variant Server 0.00008; gnomAD exomes 0.00011; ExAC 0.00020.
gnomAD v4.1: 83 of 1,614,086 alleles (0.0051%); highest among the groups gnomAD compares: East Asian, 0.0089%; no homozygotes.

Submissions (3):

Labcorp Genetics (formerly Invitae), Labcorp
Classification: Uncertain significance. Last evaluated: 2024-12-11. Review status: criteria provided, single submitter. Criteria: Invitae Variant Classification Sherloc (09022015). Collection method: clinical testing. Allele origin: germline.
Comment: This sequence change replaces arginine, which is basic and polar, with tryptophan, which is neutral and slightly polar, at codon 395 of the ABCA3 protein (p.Arg395Trp). This variant is present in population databases (rs201681616, gnomAD 0.02%). This missense change has been observed in individual(s) with unexplained respiratory distress syndrome (PMID: 33708521). ClinVar contains an entry for this variant (Variation ID: 318558). Invitae Evidence Modeling of protein sequence and biophysical properties (such as structural, functional, and spatial information, amino acid conservation, physicochemical variation, residue mobility, and thermodynamic stability) indicates that this missense variant is not expected to disrupt ABCA3 protein function with a negative predictive value of 80%. In summary, the available evidence is currently insufficient to determine the role of this variant in disease. Therefore, it has been classified as a Variant of Uncertain Significance.

Illumina Laboratory Services, Illumina
Classification: Uncertain significance for Interstitial lung disease due to ABCA3 deficiency. Last evaluated: 2018-01-12. Review status: criteria provided, single submitter. Criteria: ICSL Variant Classification Criteria 13 December 2019. Collection method: clinical testing. Allele origin: germline.

Ambry Genetics
Classification: Uncertain significance for Hereditary pulmonary alveolar proteinosis. Last evaluated: 2017-07-01. Review status: criteria provided, single submitter. Criteria: Ambry Variant Classification Scheme 2023. Collection method: clinical testing. Allele origin: germline.
Comment: The p.R395W variant (also known as c.1183C>T), located in coding exon 8 of the ABCA3 gene, results from a C to T substitution at nucleotide position 1183. The arginine at codon 395 is replaced by tryptophan, an amino acid with dissimilar properties. This amino acid position is not well conserved in available vertebrate species. In addition, this alteration is predicted to be tolerated by in silico analysis. Since supporting evidence is limited at this time, the clinical significance of this alteration remains unclear.

Literature cited by the submitters: PubMed 33708521 (cited by Labcorp Genetics (formerly Invitae), Labcorp).

NM_001089.3(ABCA3):c.1183C>T (p.Arg395Trp)

Gene: ABCA3 (ATP binding cassette subfamily A member 3; minus strand). Cytogenetic location: 16p13.3.
Variant type: single nucleotide variant.
Coding change: c.1183C>T on transcript NM_001089.3 (MANE Select); coding-DNA position 1183, C replaced by T.
Protein change: p.Arg395Trp; replaces arginine 395 with tryptophan.
Molecular consequence: missense variant.
Genome position (GRCh38, 1-based): chr16:2,308,552, G>A on the plus strand (C>T on the coding strand, the complement: ABCA3 is on the minus strand). VCF-style: chr16-2308552-G-A. GRCh37 (hg19) VCF-style: chr16-2358553-G-A.
Other names: short protein forms R395W.
Identifiers: ClinVar variation 318558 (VCV000318558.9), dbSNP rs201681616, ClinGen allele CA7841331.
Genomic context (GRCh38, chr16:2,308,552, plus strand): 5'-TGGCGACATTAGACAGGAGGCAGGAGCAGAGCTTCTGGCTCAGAGTCATCCAGTTGTACC[G>A]AGGGGCCACGAAGAAGTAGGGGATGTAGGTGAAGAAGTAGAGGAAGCCTCCGAAGGCTGC-3'
Protein context (NP_001080.2, residues 385-405): TYIPYFFVAP[Arg395Trp]YNWMTLSQKL